The following is an entry in ClinVar:

ClinVar aggregate classification (germline): Uncertain significance. Review status: criteria provided, multiple submitters, no conflicts (2 of 4 stars). 2 submissions from 2 submitters: Uncertain significance (2). Last evaluated 2023-12-06.

Conditions:
Inborn genetic diseases. Identifiers: MedGen C0950123, MeSH D030342.

Allele frequency attached by ClinVar (database versions not stated): gnomAD 0.00001; TOPMed 0.00001; ExAC 0.00004.
gnomAD v4.1: 5 of 1,603,312 alleles (0.00031%); highest among the groups gnomAD compares: Admixed American, 0.0068%; no homozygotes.

Submissions (2):

Ambry Genetics
Classification: Uncertain significance for Inborn genetic diseases. Last evaluated: 2023-12-06. Review status: criteria provided, single submitter. Criteria: Ambry Variant Classification Scheme 2023. Collection method: clinical testing. Allele origin: germline.

Labcorp Genetics (formerly Invitae), Labcorp
Classification: Uncertain significance. Last evaluated: 2023-10-13. Review status: criteria provided, single submitter. Criteria: Invitae Variant Classification Sherloc (09022015). Collection method: clinical testing. Allele origin: germline.
Comment: This sequence change replaces arginine, which is basic and polar, with cysteine, which is neutral and slightly polar, at codon 1637 of the HERC1 protein (p.Arg1637Cys). This variant is present in population databases (rs776654846, gnomAD 0.02%). This variant has not been reported in the literature in individuals affected with HERC1-related conditions. ClinVar contains an entry for this variant (Variation ID: 2110506). Advanced modeling of protein sequence and biophysical properties (such as structural, functional, and spatial information, amino acid conservation, physicochemical variation, residue mobility, and thermodynamic stability) performed at Invitae indicates that this missense variant is not expected to disrupt HERC1 protein function. In summary, the available evidence is currently insufficient to determine the role of this variant in disease. Therefore, it has been classified as a Variant of Uncertain Significance.

NM_003922.4(HERC1):c.4909C>T (p.Arg1637Cys)

Gene: HERC1 (HECT and RLD domain containing E3 ubiquitin protein ligase family member 1; minus strand). Cytogenetic location: 15q22.31.
Variant type: single nucleotide variant.
Coding change: c.4909C>T on transcript NM_003922.4 (MANE Select); coding-DNA position 4909, C replaced by T.
Protein change: p.Arg1637Cys; replaces arginine 1637 with cysteine.
Molecular consequence: missense variant.
Genome position (GRCh38, 1-based): chr15:63,696,336, G>A on the plus strand (C>T on the coding strand, the complement: HERC1 is on the minus strand). VCF-style: chr15-63696336-G-A. GRCh37 (hg19) VCF-style: chr15-63988535-G-A.
Other names: c.4909C>T (NM_003922.3); short protein forms R1637C.
Identifiers: ClinVar variation 2110506 (VCV002110506.5), dbSNP rs776654846, ClinGen allele CA7605677.